The following is an entry in ClinVar:

NM_000158.4(GBE1):c.1379del (p.Ile460fs)

Gene: GBE1 (1,4-alpha-glucan branching enzyme 1; minus strand). Cytogenetic location: 3p12.2.
Variant type: Deletion.
Coding change: c.1379del on transcript NM_000158.4 (MANE Select); coding-DNA position 1379, one base deleted (T; older notation c.1379delT).
Protein change: p.Ile460fs; shifts the reading frame from isoleucine 460.
Molecular consequence: frameshift variant.
Genome position (GRCh38, 1-based): chr3:81,581,232, A deleted on the plus strand (T on the coding strand, the reverse complement: GBE1 is on the minus strand). VCF-style (leftmost placement, unchanged base first): chr3-81581231-TA-T. GRCh37 (hg19) VCF-style: chr3-81630382-TA-T.
Other names: short protein forms I460fs.
Identifiers: ClinVar variation 2952020 (VCV002952020.3), dbSNP rs2471727306, ClinGen allele CA2740094529.

ClinVar aggregate classification (germline): Pathogenic (1 of 4 stars; one submission).

Conditions:
Glycogen storage disease, type IV (GSD4). Also called: BRANCHER DEFICIENCY; AMYLOPECTINOSIS; ANDERSEN DISEASE; CIRRHOSIS, FAMILIAL, WITH DEPOSITION OF ABNORMAL GLYCOGEN; Glycogen storage disease due to glycogen branching enzyme deficiency; GBE1 DEFICIENCY. Identifiers: Orphanet 367, MedGen C0017923, MONDO:0009292, OMIM 232500.
Glycogen storage disease IV, classic hepatic. Also called: GSD IV, CLASSIC HEPATIC. Identifiers: MedGen C1856301.

Submission:

Labcorp Genetics (formerly Invitae), Labcorp
Classification: Pathogenic for Glycogen storage disease, type IV; Glycogen storage disease IV, classic hepatic. Last evaluated: 2023-09-18. Review status: criteria provided, single submitter. Criteria: Invitae Variant Classification Sherloc (09022015). Collection method: clinical testing. Allele origin: germline.
Comment: This sequence change creates a premature translational stop signal (p.Ile460Lysfs*35) in the GBE1 gene. It is expected to result in an absent or disrupted protein product. Loss-of-function variants in GBE1 are known to be pathogenic (PMID: 15452297, 20058079). This variant is not present in population databases (gnomAD no frequency). This variant has not been reported in the literature in individuals affected with GBE1-related conditions. For these reasons, this variant has been classified as Pathogenic.

Literature cited by the submitters: PubMed 15452297; PubMed 20058079.